The following is an entry in ClinVar:

NM_030957.4(ADAMTS10):c.1328G>C (p.Ser443Thr)

Gene: ADAMTS10 (ADAM metallopeptidase with thrombospondin type 1 motif 10; minus strand). Cytogenetic location: 19p13.2.
Variant type: single nucleotide variant.
Coding change: c.1328G>C on transcript NM_030957.4 (MANE Select); coding-DNA position 1328, G replaced by C.
Protein change: p.Ser443Thr; replaces serine 443 with threonine.
Molecular consequence: missense variant.
Genome position (GRCh38, 1-based): chr19:8,596,082, C>G on the plus strand (G>C on the coding strand, the complement: ADAMTS10 is on the minus strand). VCF-style: chr19-8596082-C-G. GRCh37 (hg19) VCF-style: chr19-8660966-C-G.
Other names: short protein forms S443T.
Identifiers: ClinVar variation 1349398 (VCV001349398.6), dbSNP rs2146080298, ClinGen allele CA403755199.
Genomic context (GRCh38, chr19:8,596,082, plus strand): 5'-GCCCCACCATGAGTGTGACCCGCTCTGAGGGACACCCAGGTGCATCCTCACTCTAGAAAG[C>G]TGGTGATGTAGTCACGGCTGCAGGATGACCACACGAATGGGTTGGTCTTCATGGTAATGT-3'
Protein context (NP_112219.3, residues 433-453): WSSCSRDYIT[Ser443Thr]FLDSGLGLCL

ClinVar aggregate classification (germline): Uncertain significance (1 of 4 stars; one submission).

Submission:

Labcorp Genetics (formerly Invitae), Labcorp
Classification: Uncertain significance. Last evaluated: 2023-12-22. Review status: criteria provided, single submitter. Criteria: Invitae Variant Classification Sherloc (09022015). Collection method: clinical testing. Allele origin: germline.
Comment: This sequence change replaces serine, which is neutral and polar, with threonine, which is neutral and polar, at codon 443 of the ADAMTS10 protein (p.Ser443Thr). This variant is not present in population databases (gnomAD no frequency). This variant has not been reported in the literature in individuals affected with ADAMTS10-related conditions. ClinVar contains an entry for this variant (Variation ID: 1349398). An algorithm developed to predict the effect of missense changes on protein structure and function (PolyPhen-2) suggests that this variant is likely to be disruptive. In summary, the available evidence is currently insufficient to determine the role of this variant in disease. Therefore, it has been classified as a Variant of Uncertain Significance.